The following is an entry in ClinVar:

NM_001394390.1(STON2):c.2209G>A (p.Val737Met)

Gene: STON2 (stonin 2; minus strand). Cytogenetic location: 14q31.1.
Variant type: single nucleotide variant.
Coding change: c.2209G>A on transcript NM_001394390.1 (MANE Select); coding-DNA position 2209, G replaced by A.
Protein change: p.Val737Met; replaces valine 737 with methionine.
Molecular consequence: missense variant.
Genome position (GRCh38, 1-based): chr14:81,277,273, C>T on the plus strand (G>A on the coding strand, the complement: STON2 is on the minus strand). VCF-style: chr14-81277273-C-T. GRCh37 (hg19) VCF-style: chr14-81743617-C-T.
Other names: c.2038G>A, p.Val680Met (NM_001256430.3, NM_001366850.2); c.2209G>A, p.Val737Met (NM_001366849.2); short protein forms V680M, V737M.
Identifiers: ClinVar variation 3388057 (VCV003388057.14).

ClinVar aggregate classification (germline): Benign (1 of 4 stars; one submission).

gnomAD v4.1: 1,080 of 1,614,220 alleles (0.067%); highest among the groups gnomAD compares: Middle Eastern, 0.96%; 5 homozygotes.

Submission:

CeGaT Center for Human Genetics Tuebingen
Classification: Benign. Last evaluated: 2024-11-01. Review status: criteria provided, single submitter. Criteria: CeGaT Center For Human Genetics Tuebingen Variant Classification Criteria Version 2. Collection method: clinical testing. Allele origin: germline. Affected: yes. Observed: 1 variant allele.
Comment: STON2: BS1, BS2